The following is an entry in ClinVar:

ClinVar aggregate classification (germline): Uncertain significance. Review status: criteria provided, multiple submitters, no conflicts (2 of 4 stars). 2 submissions from 2 submitters: Uncertain significance (2). Last evaluated 2024-09-04.

Conditions:
Familial hypocalciuric hypercalcemia (FHH). Also called: Familial benign hypercalcemia. Identifiers: Orphanet 405, MedGen C1809471, MONDO:0018458.
Autosomal dominant hypocalcemia 1 (HYPOC1). Also called: HYPOCALCEMIA, FAMILIAL. Identifiers: MedGen C3715128, MONDO:0011013, OMIM 601198.
Nephrolithiasis/nephrocalcinosis. Identifiers: MedGen CN580796.

Submissions (2):

Ambry Genetics
Classification: Uncertain significance for Nephrolithiasis/nephrocalcinosis. Last evaluated: 2024-09-04. Review status: criteria provided, single submitter. Criteria: Ambry Variant Classification Scheme 2023. Collection method: clinical testing. Allele origin: germline.
Comment: The p.V702A variant (also known as c.2105T>C), located in coding exon 6 of the CASR gene, results from a T to C substitution at nucleotide position 2105. The valine at codon 702 is replaced by alanine, an amino acid with similar properties. This amino acid position is well conserved in available vertebrate species. In addition, this alteration is predicted to be deleterious by in silico analysis. Based on the available evidence, the clinical significance of this variant remains unclear.

Labcorp Genetics (formerly Invitae), Labcorp
Classification: Uncertain significance for Familial hypocalciuric hypercalcemia; Autosomal dominant hypocalcemia 1. Last evaluated: 2018-04-25. Review status: criteria provided, single submitter. Criteria: Invitae Variant Classification Sherloc (09022015). Collection method: clinical testing. Allele origin: germline.
Comment: In summary, the available evidence is currently insufficient to determine the role of this variant in disease. Therefore, it has been classified as a Variant of Uncertain Significance. Algorithms developed to predict the effect of missense changes on protein structure and function (SIFT, PolyPhen-2, Align-GVGD) all suggest that this variant is likely to be disruptive, but these predictions have not been confirmed by published functional studies and their clinical significance is uncertain. This variant has not been reported in the literature in individuals with CASR-related disease. This variant is not present in population databases (ExAC no frequency). This sequence change replaces valine with alanine at codon 702 of the CASR protein (p.Val702Ala). The valine residue is highly conserved and there is a small physicochemical difference between valine and alanine.

NM_000388.4(CASR):c.2105T>C (p.Val702Ala)

Gene: CASR (calcium sensing receptor; plus strand). Cytogenetic location: 3q21.1.
Variant type: single nucleotide variant.
Coding change: c.2105T>C on transcript NM_000388.4 (MANE Select); coding-DNA position 2105, T replaced by C.
Protein change: p.Val702Ala; replaces valine 702 with alanine.
Molecular consequence: missense variant.
Genome position (GRCh38, 1-based): chr3:122,284,059, T>C. VCF-style: chr3-122284059-T-C. GRCh37 (hg19) VCF-style: chr3-122002906-T-C.
Other names: c.2135T>C, p.Val712Ala (NM_001178065.2); short protein forms V702A, V712A.
Identifiers: ClinVar variation 573494 (VCV000573494.11), dbSNP rs1559968643, ClinGen allele CA354158568.